The following is an entry in ClinVar:

NM_001379500.1(COL18A1):c.1335_1336dup (p.Gly446fs)

Gene: COL18A1 (collagen type XVIII alpha 1 chain; plus strand). Cytogenetic location: 21q22.3.
Variant type: Microsatellite.
Coding change: c.1335_1336dup on transcript NM_001379500.1 (MANE Select); coding-DNA positions 1335 to 1336, 2 bases duplicated (AG; older notation c.1335_1336dupAG).
Protein change: p.Gly446fs; shifts the reading frame from glycine 446.
Molecular consequence: frameshift variant.
Genome position (GRCh38, 1-based): chr21:45,480,093-45,480,094, AG duplicated; duplicating any 2 consecutive bases within chr21:45,480,086-45,480,094 gives the same sequence; the c. name uses the placement nearest the transcript's 3' end. VCF-style (leftmost placement, unchanged base first): chr21-45480085-G-GGA. GRCh37 (hg19) VCF-style: chr21-46899999-G-GGA.
Other names: c.1875_1876dup, p.Gly626fs (NM_030582.4); c.2580_2581dup, p.Gly861fs (NM_130444.3); short protein forms G446fs, G626fs, G861fs.
Identifiers: ClinVar variation 1120116 (VCV001120116.4), dbSNP rs2145934671, ClinGen allele CA2580615219.

ClinVar aggregate classification (germline): Likely pathogenic (1 of 4 stars; one submission).

Conditions:
Knobloch syndrome (KNO). Also called: RETINAL DETACHMENT AND OCCIPITAL ENCEPHALOCELE; Myopia retinal detachment encephalocele. Identifiers: Orphanet 1571, MedGen C1849409, MONDO:0800166.

Submission:

Laboratory for Molecular Medicine, Mass General Brigham Personalized Medicine
Classification: Likely pathogenic for Knobloch syndrome. Last evaluated: 2020-06-19. Review status: criteria provided, single submitter. Criteria: LMM Criteria. Collection method: clinical testing. Allele origin: germline. Inheritance: Autosomal recessive inheritance. Observed: 1 variant allele.
Comment: The p.Gly446GlufsX22 variant COL18A1 has not been reported in individuals with disease and was absent from large population studies. This variant is predicted to cause a frameshift, which alters the proteinâ€™s amino acid sequence beginning at position 446 and leads to a premature termination codon 22 amino acids downstream. This alteration is then predicted to lead to a truncated or absent protein. Loss of function of the COL18A1 gene is associated with Knobloch syndrome. In summary, although additional studies are required to fully establish its clinical significance, this variant meets criteria to be classified as likely pathogenic for autosomal recessive Knobloch syndrome. ACMG/AMP Criteria applied: PM2, PVS1.